The following is an entry in ClinVar:

NM_000275.3(OCA2):c.631C>T (p.Pro211Ser)

Gene: OCA2 (OCA2 melanosomal transmembrane protein; minus strand). Cytogenetic location: 15q13.1.
Variant type: single nucleotide variant.
Coding change: c.631C>T on transcript NM_000275.3 (MANE Select); coding-DNA position 631, C replaced by T.
Protein change: p.Pro211Ser; replaces proline 211 with serine.
Molecular consequence: missense variant.
Genome position (GRCh38, 1-based): chr15:28,022,516, G>A on the plus strand (C>T on the coding strand, the complement: OCA2 is on the minus strand). VCF-style: chr15-28022516-G-A. GRCh37 (hg19) VCF-style: chr15-28267662-G-A.
Other names: c.631C>T, p.Pro211Ser (NM_001300984.2); short protein forms P211S.
Identifiers: ClinVar variation 3339670 (VCV003339670.2).

ClinVar aggregate classification (germline): Conflicting classifications of pathogenicity. Review status: criteria provided, conflicting classifications (1 of 4 stars). 2 submissions from 2 submitters: Likely pathogenic (1); Uncertain significance (1). Last evaluated 2024-06-10.

Conditions:
SKIN/HAIR/EYE PIGMENTATION 1, BLUE/NONBLUE EYES (SHEP1). Also called: BROWN EYE COLOR 2; EYE COLOR 3; EYE COLOR, BLUE/NONBLUE; EYE COLOR, BROWN/BLUE; HAIR COLOR 3; SKIN/HAIR/EYE PIGMENTATION 1, BLOND/BROWN HAIR. Identifiers: MedGen C1856895, OMIM 227220.
Tyrosinase-positive oculocutaneous albinism (OCA2). Also called: ALBINISM II; Albinism, oculocutaneous, type II; Oculocutaneous albinism type 2. Identifiers: Orphanet 79432, MedGen C0268495, MONDO:0008746, OMIM 203200.

Submissions (2):

Women's Health and Genetics/Laboratory Corporation of America, LabCorp
Classification: Uncertain significance. Last evaluated: 2024-06-10. Review status: criteria provided, single submitter. Criteria: LabCorp Variant Classification Summary - May 2015. Collection method: clinical testing. Allele origin: germline.
Comment: Variant summary: OCA2 c.631C>T (p.Pro211Ser) results in a non-conservative amino acid change in the encoded protein sequence. Four of five in-silico tools predict a benign effect of the variant on protein function. The variant was absent in 251204 control chromosomes (gnomAD). To our knowledge, no occurrence of c.631C>T in individuals affected with Oculocutaneous Albinism and no experimental evidence demonstrating its impact on protein function have been reported. However, different missense changes affecting the same amino acid (P211L/A) are reported in affected individuals (HGDM) and are classified as (likely) pathogenic in ClinVar, indicating that this residue might be important for protein function. No submitters have cited clinical-significance assessments for this variant to ClinVar. Based on the evidence outlined above, the variant was classified as VUS-possibly pathogenic.

Fulgent Genetics
Classification: Likely pathogenic for Tyrosinase-positive oculocutaneous albinism; SKIN/HAIR/EYE PIGMENTATION 1, BLUE/NONBLUE EYES. Last evaluated: 2024-05-04. Review status: criteria provided, single submitter. Criteria: ACMG Guidelines, 2015. Collection method: clinical testing. Allele origin: germline.